The following is an entry in ClinVar:

NM_006031.6(PCNT):c.6080A>G (p.Gln2027Arg)

Gene: PCNT (pericentrin; plus strand). Cytogenetic location: 21q22.3.
Variant type: single nucleotide variant.
Coding change: c.6080A>G on transcript NM_006031.6 (MANE Select); coding-DNA position 6080, A replaced by G.
Protein change: p.Gln2027Arg; replaces glutamine 2027 with arginine.
Molecular consequence: missense variant.
Genome position (GRCh38, 1-based): chr21:46,412,922, A>G. VCF-style: chr21-46412922-A-G. GRCh37 (hg19) VCF-style: chr21-47832836-A-G.
Other names: c.5726A>G, p.Gln1909Arg (NM_001315529.2); short protein forms Q2027R, Q1909R.
Identifiers: ClinVar variation 211869 (VCV000211869.51), dbSNP rs147189224, ClinGen allele CA206122.
Genomic context (GRCh38, chr21:46,412,922, plus strand): 5'-CGTTGAAGGATGCACCTCTCTGCAAGCAAGAAGGCGTGATGTCAGTGCTCACCGTCTGCC[A>G]GAGGCAGCTGCAGTCGGAGCTGCTCTTGGTGAAAAATGAAATGCGCCTGAGTCTGGAGGA-3'
Protein context (NP_006022.3, residues 2017-2037): EGVMSVLTVC[Gln2027Arg]RQLQSELLLV

ClinVar aggregate classification (germline): Benign/Likely benign. Review status: criteria provided, multiple submitters, no conflicts (2 of 4 stars). 11 submissions from 11 submitters: Benign (3); Likely benign (5). 3 of the submissions do not count toward it. Last evaluated 2026-08-01.

Conditions:
Microcephalic osteodysplastic primordial dwarfism type II (MOPD2). Also called: Microcephalic osteodysplastic primordial dwarfism with tooth abnormalities; MOPD II; OSTEODYSPLASTIC PRIMORDIAL DWARFISM, TYPE II. Identifiers: Orphanet 2637, MedGen C0432246, MONDO:0008872, OMIM 210720.
PCNT-related disorder. Also called: PCNT-related condition.
Intellectual disability. Also called: Intellectual functioning disability; Intellectual developmental disorder; intellectual disabilities. Identifiers: MedGen C3714756, MeSH D008607, MONDO:0001071, HP:0001249.

Allele frequency attached by ClinVar (database versions not stated): 1000 Genomes Project 30x 0.00062; 1000 Genomes Project 0.00080; gnomAD 0.00152 and 0.00157; TOPMed 0.00156; gnomAD exomes 0.00177 and 0.00268; ESP Exome Variant Server 0.00185; ExAC 0.00189.
gnomAD v4.1: 4,108 of 1,612,562 alleles (0.25%); highest among the groups gnomAD compares: Non-Finnish European, 0.32%; 11 homozygotes.

Submissions (11):

CeGaT Center for Human Genetics Tuebingen
Classification: Likely benign. Last evaluated: 2026-08-01. Review status: criteria provided, single submitter. Criteria: CeGaT Center For Human Genetics Tuebingen Variant Classification Criteria Version 2. Collection method: clinical testing. Allele origin: germline. Affected: yes. Observed: 4 variant alleles.
Comment: PCNT: BP4

Labcorp Genetics (formerly Invitae), Labcorp
Classification: Benign. Last evaluated: 2026-01-28. Review status: criteria provided, single submitter. Criteria: Invitae Variant Classification Sherloc (09022015). Collection method: clinical testing. Allele origin: germline.

Blueprint Genetics
Classification: Likely benign. Last evaluated: 2024-11-26. Review status: criteria provided, single submitter. Criteria: ACMG Guidelines, 2015. Collection method: clinical testing. Allele origin: germline.

ARUP Laboratories, Molecular Genetics and Genomics, ARUP Laboratories
Classification: Likely benign for Microcephalic osteodysplastic primordial dwarfism type II. Last evaluated: 2021-03-21. Review status: criteria provided, single submitter. Criteria: ARUP Molecular Germline Variant Investigation Process 2021. Collection method: clinical testing. Allele origin: germline.

Cambridge Genomics Laboratory, East Genomic Laboratory Hub, NHS Genomic Medicine Service
Classification: Benign for Intellectual disability. Last evaluated: 2020-03-30. Review status: criteria provided, single submitter. Criteria: ACGS Best Practice Guidelines for Variant Classification in Rare Disease 2020. Collection method: clinical testing. Allele origin: germline. Affected: yes. Observed: 1 variant allele.

Genetic Services Laboratory, University of Chicago
Classification: Likely benign. Last evaluated: 2019-10-10. Review status: criteria provided, single submitter. Criteria: ACMG Guidelines, 2015. Collection method: clinical testing. Allele origin: germline. Affected: no.

GeneDx
Classification: Benign. Last evaluated: 2019-01-11. Review status: criteria provided, single submitter. Criteria: GeneDx Variant Classification Process June 2021. Collection method: clinical testing. Allele origin: germline. Affected: yes.

Illumina Laboratory Services, Illumina
Classification: Likely benign for Microcephalic osteodysplastic primordial dwarfism type II. Last evaluated: 2018-01-12. Review status: criteria provided, single submitter. Criteria: ICSL Variant Classification Criteria 13 December 2019. Collection method: clinical testing. Allele origin: germline.
Comment: This variant was observed in the ICSL laboratory as part of a predisposition screen in an ostensibly healthy population. It had not been previously curated by ICSL or reported in the Human Gene Mutation Database (HGMD: prior to June 1st, 2018), and was therefore a candidate for classification through an automated scoring system. Utilizing variant allele frequency, disease prevalence and penetrance estimates, and inheritance mode, an automated score was calculated to assess if this variant is too frequent to cause the disease. Based on the score and internal cut-off values, a variant classified as likely benign is not then subjected to further curation. The score for this variant resulted in a classification of likely benign for this disease.

PreventionGenetics, part of Exact Sciences
Classification: Likely benign for PCNT-related condition. Last evaluated: 2023-12-12. Review status: no assertion criteria provided. Collection method: clinical testing. Allele origin: germline. Not counted in ClinVar's aggregate classification.
Comment: This variant is classified as likely benign based on ACMG/AMP sequence variant interpretation guidelines (Richards et al. 2015 PMID: 25741868, with internal and published modifications).

Clinical Genetics DNA and cytogenetics Diagnostics Lab, Erasmus MC, Erasmus Medical Center
Classification: Likely benign. Review status: no assertion criteria provided. Collection method: clinical testing. Allele origin: germline. Affected: yes. Study: VKGL Data-share Consensus. Not counted in ClinVar's aggregate classification.

Laboratory of Diagnostic Genome Analysis, Leiden University Medical Center (LUMC)
Classification: Likely benign. Review status: no assertion criteria provided. Collection method: clinical testing. Allele origin: germline. Affected: yes. Study: VKGL Data-share Consensus. Not counted in ClinVar's aggregate classification.